The following is an entry in ClinVar:

ClinVar aggregate classification (germline): Conflicting classifications of pathogenicity. Review status: criteria provided, conflicting classifications (1 of 4 stars). 6 submissions from 6 submitters: Uncertain significance (4); Likely benign (2). Last evaluated 2026-01-05.

Conditions:
CUBN-related disorder. Also called: CUBN-related condition.
Inborn genetic diseases. Identifiers: MedGen C0950123, MeSH D030342.
Proteinuria, chronic benign. Identifiers: MedGen C5394384, MONDO:0030042, OMIM 618884.
Imerslund-Grasbeck syndrome type 1 (IGS1). Also called: Megaloblastic anemia 1, Finnish type; MEGALOBLASTIC ANEMIA, 1; Imerslund-Gräsbeck syndrome 1. Identifiers: MedGen C4016819, MONDO:0100156, OMIM 261100.
Imerslund-Grasbeck syndrome. Also called: Megaloblastic anemia due to inborn errors of metabolism; ENTEROCYTE COBALAMIN MALABSORPTION; ENTEROCYTE INTRINSIC FACTOR RECEPTOR, DEFECT OF; PERNICIOUS ANEMIA, JUVENILE, DUE TO SELECTIVE INTESTINAL MALABSORPTION OF VITAMIN B12, WITH PROTEINURIA; Imerslund-Gräsbeck syndrome. Identifiers: Orphanet 35858, MedGen C4551825, MONDO:0009853.

Allele frequency attached by ClinVar (database versions not stated): gnomAD exomes 0.00012 and 0.00029; gnomAD 0.00016 and 0.00007; ExAC 0.00031; ESP Exome Variant Server 0.00031; 1000 Genomes Project 0.00100; 1000 Genomes Project 30x 0.00125; TOPMed 0.00008.
gnomAD v4.1: 235 of 1,613,508 alleles (0.015%); highest among the groups gnomAD compares: South Asian, 0.15%; 2 homozygotes.

Submissions (6):

Labcorp Genetics (formerly Invitae), Labcorp
Classification: Uncertain significance for Imerslund-Grasbeck syndrome. Last evaluated: 2026-01-05. Review status: criteria provided, single submitter. Criteria: Invitae Variant Classification Sherloc (09022015). Collection method: clinical testing. Allele origin: germline.
Comment: This sequence change replaces proline, which is neutral and non-polar, with leucine, which is neutral and non-polar, at codon 3343 of the CUBN protein (p.Pro3343Leu). This variant is present in population databases (rs150358307, gnomAD 0.2%). This variant has not been reported in the literature in individuals affected with CUBN-related conditions. ClinVar contains an entry for this variant (Variation ID: 1016175). Invitae Evidence Modeling of protein sequence and biophysical properties (such as structural, functional, and spatial information, amino acid conservation, physicochemical variation, residue mobility, and thermodynamic stability) indicates that this missense variant is not expected to disrupt CUBN protein function with a negative predictive value of 80%. In summary, the available evidence is currently insufficient to determine the role of this variant in disease. Therefore, it has been classified as a Variant of Uncertain Significance.

Mayo Clinic Laboratories, Mayo Clinic
Classification: Uncertain significance. Last evaluated: 2025-10-26. Review status: criteria provided, single submitter. Criteria: ACMG Guidelines, 2015. Collection method: clinical testing. Allele origin: germline. Observed: 1 variant allele.
Comment: BP4_moderate

GeneDx
Classification: Uncertain significance. Last evaluated: 2025-06-16. Review status: criteria provided, single submitter. Criteria: GeneDx Variant Classification Process June 2021. Collection method: clinical testing. Allele origin: germline. Affected: yes.
Comment: In silico analysis supports that this missense variant has a deleterious effect on protein structure/function; Has not been previously published as pathogenic or benign to our knowledge

PreventionGenetics, part of Exact Sciences
Classification: Likely benign for CUBN-related condition. Last evaluated: 2025-04-13. Review status: criteria provided, single submitter. Criteria: ACMG Guidelines, 2015. Collection method: clinical testing. Allele origin: germline.
Comment: This variant is classified as likely benign based on ACMG/AMP sequence variant interpretation guidelines (Richards et al. 2015 PMID: 25741868, with internal and published modifications).

Fulgent Genetics
Classification: Likely benign for Imerslund-Grasbeck syndrome type 1; Proteinuria, chronic benign. Last evaluated: 2024-05-24. Review status: criteria provided, single submitter. Criteria: ACMG Guidelines, 2015. Collection method: clinical testing. Allele origin: germline.

Ambry Genetics
Classification: Uncertain significance for Inborn genetic diseases. Last evaluated: 2023-02-07. Review status: criteria provided, single submitter. Criteria: Ambry Variant Classification Scheme 2023. Collection method: clinical testing. Allele origin: germline.

NM_001081.4(CUBN):c.10028C>T (p.Pro3343Leu)

Gene: CUBN (cubilin; minus strand). Cytogenetic location: 10p13.
Variant type: single nucleotide variant.
Coding change: c.10028C>T on transcript NM_001081.4 (MANE Select); coding-DNA position 10028, C replaced by T.
Protein change: p.Pro3343Leu; replaces proline 3343 with leucine.
Molecular consequence: missense variant.
Genome position (GRCh38, 1-based): chr10:16,840,334, G>A on the plus strand (C>T on the coding strand, the complement: CUBN is on the minus strand). VCF-style: chr10-16840334-G-A. GRCh37 (hg19) VCF-style: chr10-16882333-G-A.
Other names: p.Pro3343Leu; c.10028C>T (NM_001081.3); short protein forms P3343L.
Identifiers: ClinVar variation 1016175 (VCV001016175.14), dbSNP rs150358307, ClinGen allele CA5422521.